The following is an entry in ClinVar:

NM_003482.4(KMT2D):c.5229G>C (p.Gln1743His)

Gene: KMT2D (lysine methyltransferase 2D; minus strand). Cytogenetic location: 12q13.12.
Variant type: single nucleotide variant.
Coding change: c.5229G>C on transcript NM_003482.4 (MANE Select); coding-DNA position 5229, G replaced by C.
Protein change: p.Gln1743His; replaces glutamine 1743 with histidine.
Molecular consequence: missense variant.
Genome position (GRCh38, 1-based): chr12:49,043,958, C>G on the plus strand (G>C on the coding strand, the complement: KMT2D is on the minus strand). VCF-style: chr12-49043958-C-G. GRCh37 (hg19) VCF-style: chr12-49437741-C-G.
Other names: short protein forms Q1743H.
Identifiers: ClinVar variation 4529962 (VCV004529962.1).
Genomic context (GRCh38, chr12:49,043,958, plus strand): 5'-TTTGCTCTTCTTGCGCCCTCGCCGCTGTTGCTTCTTCTTCTCATCCCCTTCAGCTAAGCT[C>G]TGCTCCACGGCGCCCTCTGCAGGCAGGTCAGCAGGTATCACTGTGGACAGAACGGAAGTG-3'
Protein context (NP_003473.3, residues 1733-1753): ADLPAEGAVE[Gln1743His]SLAEGDEKKK

ClinVar aggregate classification (germline): Uncertain significance (1 of 4 stars; one submission).

Submission:

GeneDx
Classification: Uncertain significance. Last evaluated: 2025-05-15. Review status: criteria provided, single submitter. Criteria: GeneDx Variant Classification Process June 2021. Collection method: clinical testing. Allele origin: germline. Affected: yes.
Comment: Not observed at significant frequency in large population cohorts (gnomAD); In silico analysis suggests that this missense variant does not alter protein structure/function; Has not been previously published as pathogenic or benign to our knowledge